The following is an entry in ClinVar:

ClinVar aggregate classification (germline): Uncertain significance (1 of 4 stars; one submission).

Submission:

Labcorp Genetics (formerly Invitae), Labcorp
Classification: Uncertain significance. Last evaluated: 2022-02-02. Review status: criteria provided, single submitter. Criteria: Invitae Variant Classification Sherloc (09022015). Collection method: clinical testing. Allele origin: germline.
Comment: This sequence change replaces valine, which is neutral and non-polar, with glycine, which is neutral and non-polar, at codon 1360 of the SI protein (p.Val1360Gly). This variant is not present in population databases (gnomAD no frequency). This variant has not been reported in the literature in individuals affected with SI-related conditions. Algorithms developed to predict the effect of missense changes on protein structure and function are either unavailable or do not agree on the potential impact of this missense change (SIFT: "Tolerated"; PolyPhen-2: "Possibly Damaging"; Align-GVGD: "Class C0"). In summary, the available evidence is currently insufficient to determine the role of this variant in disease. Therefore, it has been classified as a Variant of Uncertain Significance.

NM_001041.4(SI):c.4079T>G (p.Val1360Gly)

Gene: SI (sucrase-isomaltase; minus strand). Cytogenetic location: 3q26.1.
Variant type: single nucleotide variant.
Coding change: c.4079T>G on transcript NM_001041.4 (MANE Select); coding-DNA position 4079, T replaced by G.
Protein change: p.Val1360Gly; replaces valine 1360 with glycine.
Molecular consequence: missense variant.
Genome position (GRCh38, 1-based): chr3:165,009,379, A>C on the plus strand (T>G on the coding strand, the complement: SI is on the minus strand). VCF-style: chr3-165009379-A-C. GRCh37 (hg19) VCF-style: chr3-164727167-A-C.
Other names: short protein forms V1360G.
Identifiers: ClinVar variation 1482316 (VCV001482316.8), dbSNP rs375019489, ClinGen allele CA355033944.
Genomic context (GRCh38, chr3:165,009,379, plus strand): 5'-TCCACAATTTCTCTGGCCCACCACTCTGCTGTGGAAGTCCTGAAGAAATCTGGGAAAGCT[A>C]CATGAGCTCTGGAAGCCTGTAAAACCAAAATTTAGGCTCACATGTGGAAAGTCTTAAGAG-3'
Protein context (NP_001032.2, residues 1350-1370): DEAVNASRAH[Val1360Gly]AFPDFFRTST